The following is an entry in ClinVar:

NM_000238.4(KCNH2):c.3384C>T (p.Pro1128=)

Gene: KCNH2 (potassium voltage-gated channel subfamily H member 2; minus strand). Cytogenetic location: 7q36.1.
Variant type: single nucleotide variant.
Coding change: c.3384C>T on transcript NM_000238.4 (MANE Select); coding-DNA position 3384, C replaced by T.
Protein change: p.Pro1128=; no amino-acid change (proline 1128 retained).
Molecular consequence: synonymous variant.
Genome position (GRCh38, 1-based): chr7:150,945,461, G>A on the plus strand (C>T on the coding strand, the complement: KCNH2 is on the minus strand). VCF-style: chr7-150945461-G-A. GRCh37 (hg19) VCF-style: chr7-150642549-G-A.
Other names: c.2364C>T, p.Pro788= (NM_172057.3).
Identifiers: ClinVar variation 1085280 (VCV001085280.12), dbSNP rs2116917718, ClinGen allele CA458644574.

ClinVar aggregate classification (germline): Likely benign. Review status: criteria provided, multiple submitters, no conflicts (2 of 4 stars). 4 submissions from 4 submitters: Likely benign (4). Last evaluated 2023-10-13.

Conditions:
Cardiovascular phenotype. Identifiers: MedGen CN230736.
Long QT syndrome (LQTS). Identifiers: MedGen C0023976, MeSH D008133, MONDO:0002442. Disease mechanism: loss of function. Inheritance: Various modes of inheritance.

Allele frequency attached by ClinVar (database versions not stated): gnomAD exomes below 0.00001.
gnomAD v4.1: 2 of 1,559,072 alleles (0.00013%); highest among the groups gnomAD compares: South Asian, 0.0012%; no homozygotes.

Submissions (4):

Labcorp Genetics (formerly Invitae), Labcorp
Classification: Likely benign for Long QT syndrome. Last evaluated: 2023-10-13. Review status: criteria provided, single submitter. Criteria: Invitae Variant Classification Sherloc (09022015). Collection method: clinical testing. Allele origin: germline.

Ambry Genetics
Classification: Likely benign for Cardiovascular phenotype. Last evaluated: 2023-07-03. Review status: criteria provided, single submitter. Criteria: Ambry Variant Classification Scheme 2023. Collection method: clinical testing. Allele origin: germline.

All of Us Research Program, National Institutes of Health
Classification: Likely benign for Long QT syndrome. Last evaluated: 2023-04-03. Review status: criteria provided, single submitter. Criteria: ACMG Guidelines, 2015. Collection method: clinical testing. Allele origin: germline. Inheritance: Autosomal dominant inheritance. Observed: 1 variant allele, 1 heterozygote.
Comment: This study involves interpretation of variants in research participants for the purpose of population health screening. Participant phenotype was not available at the time of variant classification. Additional details can be found in publication PMID: 35346344, PMCID: PMC8962531

Women's Health and Genetics/Laboratory Corporation of America, LabCorp
Classification: Likely benign. Last evaluated: 2022-10-30. Review status: criteria provided, single submitter. Criteria: LabCorp Variant Classification Summary - May 2015. Collection method: clinical testing. Allele origin: germline.